The following is an entry in ClinVar:

NM_181882.3(PRX):c.3686G>A (p.Arg1229Gln)

Gene: PRX (periaxin; minus strand). Cytogenetic location: 19q13.2.
Variant type: single nucleotide variant.
Coding change: c.3686G>A on transcript NM_181882.3 (MANE Select); coding-DNA position 3686, G replaced by A.
Protein change: p.Arg1229Gln; replaces arginine 1229 with glutamine.
Molecular consequence: missense variant. On other transcripts: 3 prime UTR variant (1).
Genome position (GRCh38, 1-based): chr19:40,394,666, C>T on the plus strand (G>A on the coding strand, the complement: PRX is on the minus strand). VCF-style: chr19-40394666-C-T. GRCh37 (hg19) VCF-style: chr19-40900573-C-T.
Other names: c.*3891G>A (NM_020956.2); short protein forms R1229Q.
Identifiers: ClinVar variation 894656 (VCV000894656.10), dbSNP rs778017594, ClinGen allele CA9443810.

ClinVar aggregate classification (germline): Uncertain significance. Review status: criteria provided, multiple submitters, no conflicts (2 of 4 stars). 2 submissions from 2 submitters: Uncertain significance (2). Last evaluated 2022-07-01.

Conditions:
Charcot-Marie-Tooth disease type 4. Also called: Charcot-Marie-Tooth disease, type IV; Charcot-Marie-Tooth, Type 4. Identifiers: Orphanet 64749, MedGen C4082197, MONDO:0018995.
Charcot-Marie-Tooth disease type 4F. Also called: Charcot-Marie-Tooth disease, demyelinating, type 4F. Identifiers: Orphanet 99952, MedGen C3540453, MONDO:0013959, OMIM 614895.

Allele frequency attached by ClinVar (database versions not stated): ExAC 0.00001; TOPMed 0.00001; gnomAD 0.00002; gnomAD exomes 0.00002.
gnomAD v4.1: 37 of 1,608,948 alleles (0.0023%); highest among the groups gnomAD compares: South Asian, 0.0055%; no homozygotes.

Submissions (2):

Labcorp Genetics (formerly Invitae), Labcorp
Classification: Uncertain significance for Charcot-Marie-Tooth disease type 4. Last evaluated: 2022-07-01. Review status: criteria provided, single submitter. Criteria: Invitae Variant Classification Sherloc (09022015). Collection method: clinical testing. Allele origin: germline.
Comment: This sequence change replaces arginine, which is basic and polar, with glutamine, which is neutral and polar, at codon 1229 of the PRX protein (p.Arg1229Gln). In summary, the available evidence is currently insufficient to determine the role of this variant in disease. Therefore, it has been classified as a Variant of Uncertain Significance. Algorithms developed to predict the effect of missense changes on protein structure and function output the following: SIFT: "Tolerated"; PolyPhen-2: "Benign"; Align-GVGD: "Class C0". The glutamine amino acid residue is found in multiple mammalian species, which suggests that this missense change does not adversely affect protein function. ClinVar contains an entry for this variant (Variation ID: 894656). This variant has not been reported in the literature in individuals affected with PRX-related conditions. This variant is present in population databases (rs778017594, gnomAD 0.01%).

Illumina Laboratory Services, Illumina
Classification: Uncertain significance for Charcot-Marie-Tooth disease type 4F. Last evaluated: 2018-02-16. Review status: criteria provided, single submitter. Criteria: ICSL Variant Classification Criteria 13 December 2019. Collection method: clinical testing. Allele origin: germline.